The following is an entry in ClinVar:

NM_000492.4(CFTR):c.3682G>A (p.Glu1228Lys)

Genes: CFTR (CF transmembrane conductance regulator; plus strand), CFTR-AS2 (CFTR antisense RNA 2; minus strand). Cytogenetic location: 7q31.2.
Variant type: single nucleotide variant.
Coding change: c.3682G>A on transcript NM_000492.4 (MANE Select); coding-DNA position 3682, G replaced by A.
Protein change: p.Glu1228Lys; replaces glutamic acid 1228 with lysine.
Molecular consequence: missense variant.
Genome position (GRCh38, 1-based): chr7:117,627,735, G>A. VCF-style: chr7-117627735-G-A. GRCh37 (hg19) VCF-style: chr7-117267789-G-A.
Other names: short protein forms E1228K.
Identifiers: ClinVar variation 633166 (VCV000633166.2), dbSNP rs759116351, ClinGen allele CA368997461.

ClinVar aggregate classification (germline): Uncertain significance. Review status: criteria provided, single submitter (1 of 4 stars). 2 submissions from 2 submitters: Uncertain significance (1). 1 of the submissions does not count toward it. Last evaluated 2018-06-08.

Conditions:
CFTR-related disorder (CFTR-RD). Also called: CFTR-related disorders; CFTR-related condition. Identifiers: MedGen C5924204, MONDO:7770004.

Submissions (2):

Women's Health and Genetics/Laboratory Corporation of America, LabCorp
Classification: Uncertain significance. Last evaluated: 2018-06-08. Review status: criteria provided, single submitter. Criteria: LabCorp Variant Classification Summary - May 2015. Collection method: clinical testing. Allele origin: germline.
Comment: Variant summary: CFTR c.3682G>A (p.Glu1228Lys) results in a conservative amino acid change located in the ABC transporter-like domain of the encoded protein sequence. Four of five in-silico tools predict a benign effect of the variant on protein function. The variant was absent in 275368 control chromosomes. The available data on variant occurrences in the general population are insufficient to allow any conclusion about variant significance. To our knowledge, no occurrence of c.3682G>A in individuals affected with CF and no experimental evidence demonstrating its impact on protein function have been reported. No clinical diagnostic laboratories have submitted clinical-significance assessments for this variant to ClinVar after 2014. Based on the evidence outlined above, the variant was classified as VUS.

Natera, Inc.
Classification: Uncertain significance for CFTR-related disorders. Last evaluated: 2020-08-10. Review status: no assertion criteria provided. Collection method: clinical testing. Allele origin: germline. Not counted in ClinVar's aggregate classification.

Literature cited by the submitters: PubMed 25735457 (cited by Women's Health and Genetics/Laboratory Corporation of America, LabCorp).